The following is an entry in ClinVar:

ClinVar aggregate classification (germline): Uncertain significance (1 of 4 stars; one submission).

Conditions:
Emery-Dreifuss muscular dystrophy 4, autosomal dominant (EDMD4). Also called: EMERY-DREIFUSS MUSCULAR DYSTROPHY 4 WITH VARIABLE FEATURES. Identifiers: Orphanet 261, MedGen C2751807, MONDO:0013071, OMIM 612998.
Autosomal recessive ataxia, Beauce type. Also called: Spinocerebellar ataxia, autosomal recessive 8; ATAXIA, RECESSIVE, OF BEAUCE; SYNE1-Related Autosomal Recessive Cerebellar Ataxia; SYNE1 Deficiency. Identifiers: Orphanet 88644, MedGen C1853116, MONDO:0012549, OMIM 610743.

Allele frequency attached by ClinVar (database versions not stated): gnomAD exomes 0.00001.
gnomAD v4.1: 8 of 1,613,106 alleles (0.0005%); highest among the groups gnomAD compares: Non-Finnish European, 0.00068%; no homozygotes.

Submission:

Labcorp Genetics (formerly Invitae), Labcorp
Classification: Uncertain significance for Emery-Dreifuss muscular dystrophy 4, autosomal dominant; Autosomal recessive ataxia, Beauce type. Last evaluated: 2025-09-08. Review status: criteria provided, single submitter. Criteria: Invitae Variant Classification Sherloc (09022015). Collection method: clinical testing. Allele origin: germline.
Comment: This sequence change replaces methionine, which is neutral and non-polar, with valine, which is neutral and non-polar, at codon 367 of the SYNE1 protein (p.Met367Val). This variant is not present in population databases (gnomAD no frequency). This variant has not been reported in the literature in individuals affected with SYNE1-related conditions. ClinVar contains an entry for this variant (Variation ID: 834871). An algorithm developed to predict the effect of missense changes on protein structure and function outputs the following: PolyPhen-2: "Benign". The valine amino acid residue is found in multiple mammalian species, which suggests that this missense change does not adversely affect protein function. In summary, the available evidence is currently insufficient to determine the role of this variant in disease. Therefore, it has been classified as a Variant of Uncertain Significance.

NM_182961.4(SYNE1):c.1078A>G (p.Met360Val)

Gene: SYNE1 (spectrin repeat containing nuclear envelope protein 1; minus strand). Cytogenetic location: 6q25.2.
Variant type: single nucleotide variant.
Coding change: c.1078A>G on transcript NM_182961.4 (MANE Select); coding-DNA position 1078, A replaced by G.
Protein change: p.Met360Val; replaces methionine 360 with valine.
Molecular consequence: missense variant.
Genome position (GRCh38, 1-based): chr6:152,484,942, T>C on the plus strand (A>G on the coding strand, the complement: SYNE1 is on the minus strand). VCF-style: chr6-152484942-T-C. GRCh37 (hg19) VCF-style: chr6-152806077-T-C.
Other names: c.1099A>G, p.Met367Val (NM_033071.5); short protein forms M367V, M360V.
Identifiers: ClinVar variation 834871 (VCV000834871.10), dbSNP rs2098931426, ClinGen allele CA366142311.